The following is an entry in ClinVar:

ClinVar aggregate classification (germline): Uncertain significance (1 of 4 stars; one submission).

Submission:

GeneDx
Classification: Uncertain significance. Last evaluated: 2025-03-13. Review status: criteria provided, single submitter. Criteria: GeneDx Variant Classification Process June 2021. Collection method: clinical testing. Allele origin: germline. Affected: yes.
Comment: Not observed at significant frequency in large population cohorts (gnomAD); In silico analysis supports that this missense variant has a deleterious effect on protein structure/function; Has not been previously published as pathogenic or benign to our knowledge

NM_021815.5(SLC5A7):c.431C>A (p.Ala144Glu)

Gene: SLC5A7 (solute carrier family 5 member 7; plus strand). Cytogenetic location: 2q12.3.
Variant type: single nucleotide variant.
Coding change: c.431C>A on transcript NM_021815.5 (MANE Select); coding-DNA position 431, C replaced by A.
Protein change: p.Ala144Glu; replaces alanine 144 with glutamic acid.
Molecular consequence: missense variant. On other transcripts: 5 prime UTR variant (1).
Genome position (GRCh38, 1-based): chr2:107,993,110, C>A. VCF-style: chr2-107993110-C-A. GRCh37 (hg19) VCF-style: chr2-108609566-C-A.
Other names: c.431C>A, p.Ala144Glu (NM_001305005.3); c.116C>A, p.Ala39Glu (NM_001305006.3); c.-274C>A (NM_001305007.3); short protein forms A144E, A39E.
Identifiers: ClinVar variation 4083225 (VCV004083225.1).
Genomic context (GRCh38, chr2:107,993,110, plus strand): 5'-AACGCATGGGCGGACTCCTGTTTATTCCTGCACTGATGGGAGAAATGTTCTGGGCTGCAG[C>A]AATTTTCTCTGCTTTGGGTAAGGACCAGCTAAGTTGTCTAGCTGCATCTTTGTAGTTAAC-3'
Protein context (NP_068587.1, residues 134-154): ALMGEMFWAA[Ala144Glu]IFSALGATIS